The following is an entry in ClinVar:

NM_000404.4(GLB1):c.245+3A>G

Gene: GLB1 (galactosidase beta 1; minus strand). Cytogenetic location: 3p22.3.
Variant type: single nucleotide variant.
Coding change: c.245+3A>G on transcript NM_000404.4 (MANE Select); 3 bases into the intron after coding-DNA position 245, A replaced by G.
Molecular consequence: intron variant.
Genome position (GRCh38, 1-based): chr3:33,072,541, T>C on the plus strand (A>G on the coding strand, the complement: GLB1 is on the minus strand). VCF-style: chr3-33072541-T-C. GRCh37 (hg19) VCF-style: chr3-33114033-T-C.
Other names: c.245+3A>G (NM_001393580.1, NM_001135602.3); c.389+3A>G (NM_001317040.2); c.155+3A>G (NM_001079811.3).
Identifiers: ClinVar variation 2117302 (VCV002117302.1), dbSNP rs1162408368, ClinGen allele CA906331555.

ClinVar aggregate classification (germline): Uncertain significance (1 of 4 stars; one submission).

Conditions:
Mucopolysaccharidosis, MPS-IV-B (MPS4B). Also called: Mucopolysaccharidosis type IV B; Mucopolysaccharidosis Type IVB; Mucopolysaccharidosis type IVB (Morquio); MPS IVB; MORQUIO SYNDROME B; Mucopolysaccharidosis Type IVB (Morquio B Disease). Identifiers: Orphanet 309310, Orphanet 582, MedGen C0086652, MONDO:0009660, OMIM 253010.
GM1 gangliosidosis. Identifiers: Orphanet 354, MedGen C0085131, MONDO:0018149.

Allele frequency attached by ClinVar (database versions not stated): TOPMed below 0.00001; gnomAD 0.00001.
gnomAD v4.1: 1 of 1,612,904 alleles (0.000062%); highest among the groups gnomAD compares: Non-Finnish European, 0.000085%; no homozygotes.

Submission:

Labcorp Genetics (formerly Invitae), Labcorp
Classification: Uncertain significance for Mucopolysaccharidosis, MPS-IV-B; GM1 gangliosidosis. Last evaluated: 2022-06-02. Review status: criteria provided, single submitter. Criteria: Invitae Variant Classification Sherloc (09022015). Collection method: clinical testing. Allele origin: germline.
Comment: This sequence change falls in intron 2 of the GLB1 gene. It does not directly change the encoded amino acid sequence of the GLB1 protein. It affects a nucleotide within the consensus splice site. This variant is not present in population databases (gnomAD no frequency). This variant has not been reported in the literature in individuals affected with GLB1-related conditions. Variants that disrupt the consensus splice site are a relatively common cause of aberrant splicing (PMID: 17576681, 9536098). Algorithms developed to predict the effect of sequence changes on RNA splicing suggest that this variant is not likely to affect RNA splicing. In summary, the available evidence is currently insufficient to determine the role of this variant in disease. Therefore, it has been classified as a Variant of Uncertain Significance.

Literature cited by the submitters: PubMed 17576681; PubMed 9536098.